The following is an entry in ClinVar:

ClinVar aggregate classification (germline): Conflicting classifications of pathogenicity. Review status: criteria provided, conflicting classifications (1 of 4 stars). 6 submissions from 6 submitters: Uncertain significance (3); Likely benign (3). Last evaluated 2026-09-02.

Conditions:
Hereditary cancer. Identifiers: MedGen C1333600.
Hereditary insensitivity to pain with anhidrosis (CIPA). Also called: NEUROPATHY, CONGENITAL SENSORY, WITH ANHIDROSIS; hereditary sensory and autonomic neuropathy type 4; NTRK1 Congenital Insensitivity to Pain with Anhidrosis; INSENSITIVITY TO PAIN, CONGENITAL, WITH ANHIDROSIS; HSAN Type IV; FAMILIAL DYSAUTONOMIA, TYPE II. Identifiers: Orphanet 642, MedGen C0020074, MONDO:0009746, OMIM 256800.

Allele frequency attached by ClinVar (database versions not stated): ExAC 0.00031; gnomAD 0.00031; gnomAD exomes 0.00034 and 0.00052; TOPMed 0.00045; ESP Exome Variant Server 0.00046.
gnomAD v4.1: 798 of 1,613,766 alleles (0.049%); highest among the groups gnomAD compares: Middle Eastern, 0.066%; no homozygotes.

Submissions (6):

GeneDx
Classification: Uncertain significance. Last evaluated: 2026-09-02. Review status: criteria provided, single submitter. Criteria: GeneDx Variant Classification Process June 2021. Collection method: clinical testing. Allele origin: germline.
Comment: Reported in patients with neuroblastoma (PMID: 20003389); In silico analysis suggests that this missense variant does not alter protein structure/function; This variant is associated with the following publications: (PMID: 20003389)

Labcorp Genetics (formerly Invitae), Labcorp
Classification: Likely benign for Hereditary insensitivity to pain with anhidrosis. Last evaluated: 2026-01-20. Review status: criteria provided, single submitter. Criteria: Invitae Variant Classification Sherloc (09022015). Collection method: clinical testing. Allele origin: germline.

CeGaT Center for Human Genetics Tuebingen
Classification: Likely benign. Last evaluated: 2025-05-01. Review status: criteria provided, single submitter. Criteria: CeGaT Center For Human Genetics Tuebingen Variant Classification Criteria Version 2. Collection method: clinical testing. Allele origin: germline. Affected: yes. Observed: 2 variant alleles.
Comment: NTRK1: BP5

Mendelics
Classification: Likely benign for Hereditary cancer. Last evaluated: 2024-01-23. Review status: criteria provided, single submitter. Criteria: ACMG Guidelines, 2015. Collection method: clinical testing. Allele origin: unknown.

Mayo Clinic Laboratories, Mayo Clinic
Classification: Uncertain significance. Last evaluated: 2020-05-28. Review status: criteria provided, single submitter. Criteria: ACMG Guidelines, 2015. Collection method: clinical testing. Allele origin: germline. Observed: 1 variant allele.

Illumina Laboratory Services, Illumina
Classification: Uncertain significance for Hereditary insensitivity to pain with anhidrosis. Last evaluated: 2017-04-28. Review status: criteria provided, single submitter. Criteria: ICSL Variant Classification Criteria 13 December 2019. Collection method: clinical testing. Allele origin: germline.
Comment: This variant was observed as part of a predisposition screen in an ostensibly healthy population. A literature search was performed for the gene, cDNA change, and amino acid change (where applicable). Publications were found based on this search. However, the evidence from the literature, in combination with allele frequency data from public databases where available, was not sufficient to rule this variant in or out of causing disease. Therefore, this variant is classified as a variant of unknown significance.

Literature cited by the submitters: PubMed 20003389 (cited by Illumina Laboratory Services, Illumina).

NM_002529.4(NTRK1):c.482G>A (p.Arg161His)

Gene: NTRK1 (neurotrophic receptor tyrosine kinase 1; plus strand). Cytogenetic location: 1q23.1.
Variant type: single nucleotide variant.
Coding change: c.482G>A on transcript NM_002529.4 (MANE Select); coding-DNA position 482, G replaced by A.
Protein change: p.Arg161His; replaces arginine 161 with histidine.
Molecular consequence: missense variant.
Genome position (GRCh38, 1-based): chr1:156,868,157, G>A. VCF-style: chr1-156868157-G-A. GRCh37 (hg19) VCF-style: chr1-156837949-G-A.
Other names: c.392G>A, p.Arg131His (NM_001007792.1); c.482G>A, p.Arg161His (NM_001012331.2); short protein forms R131H, R161H.
Identifiers: ClinVar variation 378306 (VCV000378306.52), dbSNP rs150271893, ClinGen allele CA1168994.